The following is an entry in ClinVar:

ClinVar aggregate classification (germline): Uncertain significance. Review status: criteria provided, multiple submitters, no conflicts (2 of 4 stars). 2 submissions from 2 submitters: Uncertain significance (2). Last evaluated 2026-01-14.

Conditions:
Telangiectasia, hereditary hemorrhagic, type 5 (HHT5). Identifiers: Orphanet 774, MedGen C3809710, MONDO:0014217, OMIM 615506.

gnomAD v4.1: 18 of 1,614,026 alleles (0.0011%); highest among the groups gnomAD compares: South Asian, 0.013%; no homozygotes.

Submissions (2):

Labcorp Genetics (formerly Invitae), Labcorp
Classification: Uncertain significance for Telangiectasia, hereditary hemorrhagic, type 5. Last evaluated: 2026-01-14. Review status: criteria provided, single submitter. Criteria: Invitae Variant Classification Sherloc (09022015). Collection method: clinical testing. Allele origin: germline.
Comment: This sequence change replaces glutamic acid, which is acidic and polar, with lysine, which is basic and polar, at codon 297 of the GDF2 protein (p.Glu297Lys). This variant is present in population databases (no rsID available, gnomAD 0.01%). This missense change has been observed in individual(s) with pulmonary hypertension (PMID: 31661308). An algorithm developed to predict the effect of missense changes on protein structure and function (PolyPhen-2) suggests that this variant is likely to be tolerated. Experimental studies have shown that this missense change does not substantially affect GDF2 function (PMID: 31661308). Algorithms developed to predict the effect of sequence changes on RNA splicing suggest that this variant may create or strengthen a splice site. In summary, the available evidence is currently insufficient to determine the role of this variant in disease. Therefore, it has been classified as a Variant of Uncertain Significance.

ARUP Laboratories, Molecular Genetics and Genomics, ARUP Laboratories
Classification: Uncertain significance for Telangiectasia, hereditary hemorrhagic, type 5. Last evaluated: 2025-04-10. Review status: criteria provided, single submitter. Criteria: ARUP Molecular Germline Variant Investigation Process 2024. Collection method: clinical testing. Allele origin: germline.
Comment: The GDF2 c.889G>A; p.Glu297Lys variant (rs1555209031) is reported in the literature in an individual affected with pulmonary arterial hypertension, although it was not considered to be disease-causing (Hodgson 2020). This variant is found in the Latino population with an allele frequency of 0.012% (4/34,590 alleles) in the Genome Aggregation Database (v2.1.1). Computational analyses are uncertain whether this variant is neutral or deleterious (REVEL: 0.185). However, functional studies suggest the variant protein exhibits secretion and signaling activity similar to wildtype protein (Hodgson 2020). Still, due to limited information, the clinical significance of this variant is uncertain at this time. References: Hodgson J et al. Characterization of GDF2 Mutations and Levels of BMP9 and BMP10 in Pulmonary Arterial Hypertension. Am J Respir Crit Care Med. 2020 Mar 1;201(5):575-585. PMID: 31661308.

Literature cited by the submitters: PubMed 31661308 (cited by Labcorp Genetics (formerly Invitae), Labcorp).

NM_016204.4(GDF2):c.889G>A (p.Glu297Lys)

Gene: GDF2 (growth differentiation factor 2; plus strand). Cytogenetic location: 10q11.22.
Variant type: single nucleotide variant.
Coding change: c.889G>A on transcript NM_016204.4 (MANE Select); coding-DNA position 889, G replaced by A.
Protein change: p.Glu297Lys; replaces glutamic acid 297 with lysine.
Molecular consequence: missense variant.
Genome position (GRCh38, 1-based): chr10:47,325,383, G>A. VCF-style: chr10-47325383-G-A. GRCh37 (hg19) VCF-style: chr10-48413979-C-T.
Other names: short protein forms E297K.
Identifiers: ClinVar variation 4685748 (VCV004685748.2).